The following is an entry in ClinVar:

ClinVar aggregate classification (germline): Conflicting classifications of pathogenicity. Review status: criteria provided, conflicting classifications (1 of 4 stars). 3 submissions from 3 submitters: Uncertain significance (2); Likely benign (1). Last evaluated 2025-02-19.

Conditions:
Familial thoracic aortic aneurysm and aortic dissection (TAAD). Also called: Thoracic aortic aneurysms and dissections. Identifiers: Orphanet 91387, MedGen C4707243, MONDO:0019625.
Marfan syndrome (MFS). Also called: FBN1-Related Marfan Syndrome; Marfan syndrome type 1; Marfan's syndrome; Marfan syndrome, classic; MARFAN SYNDROME, TYPE I. Identifiers: Orphanet 284963, Orphanet 558, MedGen C0024796, MONDO:0007947, OMIM 154700.

Allele frequency attached by ClinVar (database versions not stated): ExAC 0.00003; 1000 Genomes Project 0.00020; TOPMed 0.00009; 1000 Genomes Project 30x 0.00016.
gnomAD v4.1: 24 of 1,613,816 alleles (0.0015%); highest among the groups gnomAD compares: Admixed American, 0.03%; no homozygotes.

Submissions (3):

Labcorp Genetics (formerly Invitae), Labcorp
Classification: Likely benign for Marfan syndrome; Familial thoracic aortic aneurysm and aortic dissection. Last evaluated: 2025-02-19. Review status: criteria provided, single submitter. Criteria: Invitae Variant Classification Sherloc (09022015). Collection method: clinical testing. Allele origin: germline.

All of Us Research Program, National Institutes of Health
Classification: Uncertain significance for Marfan syndrome. Last evaluated: 2024-04-25. Review status: criteria provided, single submitter. Criteria: ACMG Guidelines, 2015. Collection method: clinical testing. Allele origin: germline. Inheritance: Autosomal dominant inheritance. Observed: 2 variant alleles, 2 heterozygotes.
Comment: This missense variant replaces proline with arginine at codon 392 of the FBN1 protein. Computational prediction is inconclusive regarding the impact of this variant on protein structure and function (internally defined REVEL score threshold 0.5 < inconclusive < 0.7, PMID: 27666373). To our knowledge, functional studies have not been reported for this variant. This variant has been reported in an individual affected with unexplained sudden cardiac death (PMID: 25447171). This variant has been identified in 8/250242 chromosomes in the general population by the Genome Aggregation Database (gnomAD). The available evidence is insufficient to determine the role of this variant in disease conclusively. Therefore, this variant is classified as a Variant of Uncertain Significance.

This study involves interpretation of variants in research participants for the purpose of population health screening. Participant phenotype was not available at the time of variant classification. Additional details can be found in publication PMID: 35346344, PMCID: PMC8962531

Women's Health and Genetics/Laboratory Corporation of America, LabCorp
Classification: Uncertain significance. Last evaluated: 2019-08-26. Review status: criteria provided, single submitter. Criteria: LabCorp Variant Classification Summary - May 2015. Collection method: clinical testing. Allele origin: germline.
Comment: Variant summary: FBN1 c.1175C>G (p.Pro392Arg) results in a non-conservative amino acid change in the encoded protein sequence. Three of five in-silico tools predict a benign effect of the variant on protein function. The variant allele was found at a frequency of 3.2e-05 in 250242 control chromosomes (gnomAD). The available data on variant occurrences in the general population are insufficient to allow any conclusion about variant significance. c.1175C>G has been reported in the literature in an individual who died of sudden cardiac death, with no-conclusive cause (Campuzano_2014). This report does not provide an unequivocal conclusion about association of the variant with Marfan Syndrome. To our knowledge, no experimental evidence demonstrating an impact on protein function has been reported. No clinical diagnostic laboratories have submitted clinical-significance assessments for this variant to ClinVar after 2014. Based on the evidence outlined above, the variant was classified as uncertain significance.

Literature cited by the submitters: PubMed 25447171 (cited by All of Us Research Program, National Institutes of Health and Women's Health and Genetics/Laboratory Corporation of America, LabCorp); PubMed 27930701 (cited by Women's Health and Genetics/Laboratory Corporation of America, LabCorp).

NM_000138.5(FBN1):c.1175C>G (p.Pro392Arg)

Gene: FBN1 (fibrillin 1; minus strand). Cytogenetic location: 15q21.1.
Variant type: single nucleotide variant.
Coding change: c.1175C>G on transcript NM_000138.5 (MANE Select); coding-DNA position 1175, C replaced by G.
Protein change: p.Pro392Arg; replaces proline 392 with arginine.
Molecular consequence: missense variant.
Genome position (GRCh38, 1-based): chr15:48,516,335, G>C on the plus strand (C>G on the coding strand, the complement: FBN1 is on the minus strand). VCF-style: chr15-48516335-G-C. GRCh37 (hg19) VCF-style: chr15-48808532-G-C.
Other names: short protein forms P392R.
Identifiers: ClinVar variation 654549 (VCV000654549.12), dbSNP rs534127494, ClinGen allele CA043949.